The following is an entry in ClinVar:

NM_000642.3(AGL):c.3133_3137del (p.Val1045fs)

Gene: AGL (amylo-alpha-1,6-glucosidase and 4-alpha-glucanotransferase; plus strand). Cytogenetic location: 1p21.2.
Variant type: Microsatellite.
Coding change: c.3133_3137del on transcript NM_000642.3 (MANE Select); coding-DNA positions 3133 to 3137, 5 bases deleted (GTTCA; older notation c.3133_3137delGTTCA).
Protein change: p.Val1045fs; shifts the reading frame from valine 1045.
Molecular consequence: frameshift variant.
Genome position (GRCh38, 1-based): chr1:99,892,481-99,892,485, GTTCA deleted; deleting any 5 consecutive bases within chr1:99,892,476-99,892,485 gives the same sequence; the c. name uses the placement nearest the transcript's 3' end. VCF-style (leftmost placement, unchanged base first): chr1-99892475-GGTTCA-G. GRCh37 (hg19) VCF-style: chr1-100358031-GGTTCA-G.
Other names: c.3128_3132GTTCA[1], p.Val1045Thrfs (NM_000028.3, NM_000643.3, NM_000644.3 and 1 more transcripts); c.3080_3084GTTCA[1], p.Val1029Thrfs (NM_000646.3); c.3107_3111GTTCA[1], p.Val1038Thrfs (NM_001425326.1); c.2927_2931GTTCA[1], p.Val978Thrfs (NM_001425327.1); c.2924_2928GTTCA[1], p.Val977Thrfs (NM_001425328.1); c.2789_2793GTTCA[1], p.Val932Thrfs (NM_001425329.1); c.2750_2754GTTCA[1], p.Val919Thrfs (NM_001425332.1); short protein forms V1045fs, V1029fs.
Identifiers: ClinVar variation 2134726 (VCV002134726.4), dbSNP rs2524731355, ClinGen allele CA2580611188.

ClinVar aggregate classification (germline): Pathogenic (1 of 4 stars; one submission).

Conditions:
Glycogen storage disease type III (GSD3). Also called: Cori disease; FORBES DISEASE. Identifiers: Orphanet 366, MedGen C0017922, MONDO:0009291, OMIM 232400.

Submission:

Labcorp Genetics (formerly Invitae), Labcorp
Classification: Pathogenic for Glycogen storage disease type III. Last evaluated: 2022-05-06. Review status: criteria provided, single submitter. Criteria: Invitae Variant Classification Sherloc (09022015). Collection method: clinical testing. Allele origin: germline.
Comment: For these reasons, this variant has been classified as Pathogenic. This variant has not been reported in the literature in individuals affected with AGL-related conditions. This variant is not present in population databases (gnomAD no frequency). This sequence change creates a premature translational stop signal (p.Val1045Thrfs*23) in the AGL gene. It is expected to result in an absent or disrupted protein product. Loss-of-function variants in AGL are known to be pathogenic (PMID: 19299494).

Literature cited by the submitters: PubMed 19299494.